The following is an entry in ClinVar:

ClinVar aggregate classification (germline): Likely benign (1 of 4 stars; one submission).

Conditions:
Ellis-van Creveld syndrome (EVC). Also called: EVC-Related Ellis-van Creveld Syndrome; EVC2-Related Ellis-van Creveld Syndrome; MESOECTODERMAL DYSPLASIA; Chondroectodermal dysplasia. Identifiers: Orphanet 289, MedGen C0013903, MONDO:0009162, OMIM 225500.

Allele frequency attached by ClinVar (database versions not stated): gnomAD 0.00279; TOPMed 0.00323; 1000 Genomes Project 0.00399; 1000 Genomes Project 30x 0.00453.

Submission:

Illumina Laboratory Services, Illumina
Classification: Likely benign for Ellis-van Creveld syndrome. Last evaluated: 2018-01-13. Review status: criteria provided, single submitter. Criteria: ICSL Variant Classification Criteria 13 December 2019. Collection method: clinical testing. Allele origin: germline.
Comment: This variant was observed in the ICSL laboratory as part of a predisposition screen in an ostensibly healthy population. It had not been previously curated by ICSL or reported in the Human Gene Mutation Database (HGMD: prior to June 1st, 2018), and was therefore a candidate for classification through an automated scoring system. Utilizing variant allele frequency, disease prevalence and penetrance estimates, and inheritance mode, an automated score was calculated to assess if this variant is too frequent to cause the disease. Based on the score and internal cut-off values, a variant classified as likely benign is not then subjected to further curation. The score for this variant resulted in a classification of likely benign for this disease.

NM_153717.3(EVC):c.*2692G>T

Gene: EVC (EvC ciliary complex subunit 1; plus strand). Cytogenetic location: 4p16.2.
Variant type: single nucleotide variant.
Coding change: c.*2692G>T on transcript NM_153717.3 (MANE Select); 2692 bases downstream of the stop codon, G replaced by T.
Molecular consequence: 3 prime UTR variant.
Genome position (GRCh38, 1-based): chr4:5,813,729, G>T. VCF-style: chr4-5813729-G-T. GRCh37 (hg19) VCF-style: chr4-5815456-G-T.
Other names: c.*2692G>T (NM_001306090.2).
Identifiers: ClinVar variation 906033 (VCV000906033.4), dbSNP rs149155153, ClinGen allele CA91730349.
Genomic context (GRCh38, chr4:5,813,729, plus strand): 5'-ATGATCACGGGACCCTTCTCCTCTGAGAAGGCTCCCGGCTGCCTCCCCGCCACCGAGCTT[G>T]TAGCCTGAATGCCTGGCTGTCGCATGGAGCATTTTGCTTCTGGGGTGTCTTCCTTAGCCA-3'